The following is an entry in ClinVar:

NM_000834.5(GRIN2B):c.2597_2598+2del

Gene: GRIN2B (glutamate ionotropic receptor NMDA type subunit 2B; minus strand). Cytogenetic location: 12p13.1.
Variant type: Deletion.
Coding change: c.2597_2598+2del on transcript NM_000834.5 (MANE Select); coding-DNA position 2597 through the canonical splice donor site of the intron after coding-DNA position 2598, 4 bases deleted (GAGT; older notation c.2597_2598+2delGAGT).
Molecular consequence: splice donor variant.
Genome position (GRCh38, 1-based): chr12:13,567,023-13,567,026, ACTC deleted on the plus strand (GAGT on the coding strand, the reverse complement: GRIN2B is on the minus strand). VCF-style (leftmost placement, unchanged base first): chr12-13567022-TACTC-T. GRCh37 (hg19) VCF-style: chr12-13719956-TACTC-T.
Other names: c.2597_2598+2del (NM_001413992.1).
Identifiers: ClinVar variation 4796579 (VCV004796579.1).

ClinVar aggregate classification (germline): Uncertain significance (1 of 4 stars; one submission).

Conditions:
Developmental and epileptic encephalopathy, 27 (DEE27). Also called: Epileptic encephalopathy, early infantile, 27; GRIN2B-Related Neurodevelopmental Disorder. Identifiers: Orphanet 3451, MedGen C4015316, MONDO:0014505, OMIM 616139.
Intellectual developmental disorder, autosomal dominant 6, with or without seizures. Also called: Intellectual disability, autosomal dominant 6; GRIN2B-related developmental delay, intellectual disability and autism spectrum disorder. Identifiers: Orphanet 589547, MedGen C3151411, MONDO:0013509, OMIM 613970.

Submission:

Juno Genomics, Hangzhou Juno Genomics, Inc
Classification: Uncertain significance for Developmental and epileptic encephalopathy, 27; Intellectual developmental disorder, autosomal dominant 6, with or without seizures. Review status: criteria provided, single submitter. Criteria: ACMG Guidelines, 2015. Collection method: clinical testing. Allele origin: germline. Affected: yes.
Comment: Absent from controls (or at extremely low frequency if recessive) in Genome Aggregation Database, Exome Sequencing Project, 1000 Genomes Project, or Exome Aggregation Consortium.;Null variant in a gene where loss of function (LOF) is a known mechanism of disease.